The following is an entry in ClinVar:

NM_001378615.1(CC2D2A):c.3015-1G>C

Genes: CC2D2A (coiled-coil and C2 domain containing 2A; plus strand), FBXL5 (F-box and leucine rich repeat protein 5; minus strand). Cytogenetic location: 4p15.32.
Variant type: single nucleotide variant.
Coding change: c.3015-1G>C on transcript NM_001378615.1 (MANE Select); the canonical splice acceptor site of the intron before coding-DNA position 3015, G replaced by C.
Molecular consequence: splice acceptor variant.
Genome position (GRCh38, 1-based): chr4:15,563,354, G>C. VCF-style: chr4-15563354-G-C. GRCh37 (hg19) VCF-style: chr4-15564977-G-C.
Other names: c.3015-1G>C (NM_001080522.2); c.2868-1G>C (NM_001378617.1).
Identifiers: ClinVar variation 2945042 (VCV002945042.3), dbSNP rs2475061426, ClinGen allele CA356415375.

ClinVar aggregate classification (germline): Likely pathogenic (1 of 4 stars; one submission).

Conditions:
Joubert syndrome. Also called: JOUBERT-BOLTSHAUSER SYNDROME; Familial aplasia of the vermis. Identifiers: Orphanet 475, MedGen C5979921, MONDO:0018772.
Meckel-Gruber syndrome. Also called: DYSENCEPHALIA SPLANCHNOCYSTICA; GRUBER SYNDROME; Dysencephalia splachnocystica. Identifiers: Orphanet 564, MedGen C0265215, MONDO:0018921.

Submission:

Labcorp Genetics (formerly Invitae), Labcorp
Classification: Likely pathogenic for Joubert syndrome; Meckel-Gruber syndrome. Last evaluated: 2023-03-07. Review status: criteria provided, single submitter. Criteria: Invitae Variant Classification Sherloc (09022015). Collection method: clinical testing. Allele origin: germline.
Comment: This variant has not been reported in the literature in individuals affected with CC2D2A-related conditions. Algorithms developed to predict the effect of sequence changes on RNA splicing suggest that this variant may disrupt the consensus splice site. In summary, the currently available evidence indicates that the variant is pathogenic, but additional data are needed to prove that conclusively. Therefore, this variant has been classified as Likely Pathogenic. This variant is not present in population databases (gnomAD no frequency). This sequence change affects an acceptor splice site in intron 24 of the CC2D2A gene. It is expected to disrupt RNA splicing. Variants that disrupt the donor or acceptor splice site typically lead to a loss of protein function (PMID: 16199547), and loss-of-function variants in CC2D2A are known to be pathogenic (PMID: 19777577).

Literature cited by the submitters: PubMed 16199547; PubMed 19777577.